The following is an entry in ClinVar:

ClinVar aggregate classification (germline): Uncertain significance (1 of 4 stars; one submission).

Allele frequency attached by ClinVar (database versions not stated): gnomAD exomes below 0.00001; TOPMed 0.00002.
gnomAD v4.1: 4 of 1,613,878 alleles (0.00025%); highest among the groups gnomAD compares: African/African-American, 0.0013%; no homozygotes.

Submission:

Labcorp Genetics (formerly Invitae), Labcorp
Classification: Uncertain significance. Last evaluated: 2022-08-12. Review status: criteria provided, single submitter. Criteria: Invitae Variant Classification Sherloc (09022015). Collection method: clinical testing. Allele origin: germline.
Comment: This variant has not been reported in the literature in individuals affected with P4HB-related conditions. This variant is present in population databases (no rsID available, gnomAD 0.007%). This sequence change replaces isoleucine, which is neutral and non-polar, with valine, which is neutral and non-polar, at codon 102 of the P4HB protein (p.Ile102Val). Algorithms developed to predict the effect of missense changes on protein structure and function (SIFT, PolyPhen-2, Align-GVGD) all suggest that this variant is likely to be tolerated. In summary, the available evidence is currently insufficient to determine the role of this variant in disease. Therefore, it has been classified as a Variant of Uncertain Significance.

NM_000918.4(P4HB):c.304A>G (p.Ile102Val)

Gene: P4HB (prolyl 4-hydroxylase subunit beta; minus strand). Cytogenetic location: 17q25.3.
Variant type: single nucleotide variant.
Coding change: c.304A>G on transcript NM_000918.4 (MANE Select); coding-DNA position 304, A replaced by G.
Protein change: p.Ile102Val; replaces isoleucine 102 with valine.
Molecular consequence: missense variant.
Genome position (GRCh38, 1-based): chr17:81,859,229, T>C on the plus strand (A>G on the coding strand, the complement: P4HB is on the minus strand). VCF-style: chr17-81859229-T-C. GRCh37 (hg19) VCF-style: chr17-79817105-T-C.
Other names: short protein forms I102V.
Identifiers: ClinVar variation 1986304 (VCV001986304.4), dbSNP rs1272817209, ClinGen allele CA401517756.